The following is an entry in ClinVar:

NM_001128425.2(MUTYH):c.169A>C (p.Met57Leu)

Gene: MUTYH (mutY DNA glycosylase; minus strand). Cytogenetic location: 1p34.1.
Variant type: single nucleotide variant.
Coding change: c.169A>C on transcript NM_001128425.2 (MANE Plus Clinical); coding-DNA position 169, A replaced by C.
Protein change: p.Met57Leu; replaces methionine 57 with leucine.
Molecular consequence: missense variant. On other transcripts: initiator codon variant (1), intron variant (24).
Genome position (GRCh38, 1-based): chr1:45,333,592, T>G on the plus strand (A>C on the coding strand, the complement: MUTYH is on the minus strand). VCF-style: chr1-45333592-T-G. GRCh37 (hg19) VCF-style: chr1-45799264-T-G.
Other names: c.118A>C, p.Met40Leu (NM_001293191.2, NM_001407077.1); c.160A>C, p.Met54Leu (NM_001407069.1, NM_012222.3); c.1A>C, p.Met1Leu (NM_001407075.1); c.127A>C, p.Met43Leu (NM_001407083.1, NM_001407085.1); c.116-31A>C (NM_001407072.1, NM_001048171.2, NM_001407070.1 and 7 more transcripts); c.-92-95A>C (NM_001350651.2, NM_001407082.1); c.-97-95A>C (NM_001293192.2, NM_001293196.2, NM_001407091.1); c.-156-31A>C (NM_001350650.2); and 4 more; short protein forms M57L, M43L, M54L, M1L, M40L.
Identifiers: ClinVar variation 2866143 (VCV002866143.4), dbSNP rs1645396759, ClinGen allele CA340136828.

ClinVar aggregate classification (germline): Uncertain significance. Review status: criteria provided, multiple submitters, no conflicts (2 of 4 stars). 2 submissions from 2 submitters: Uncertain significance (2). Last evaluated 2026-07-04.

Conditions:
Familial adenomatous polyposis 2. Also called: FAP type 2; MUTYH Polyposis; COLORECTAL ADENOMATOUS POLYPOSIS, AUTOSOMAL RECESSIVE; MUTYH-associated polyposis; MUTYH-related attenuated familial adenomatous polyposis; ADENOMAS, MULTIPLE COLORECTAL, AUTOSOMAL RECESSIVE. Identifiers: Orphanet 220460, Orphanet 247798, MedGen C3272841, MONDO:0012041, OMIM 608456.
Hereditary cancer-predisposing syndrome. Also called: Hereditary Cancer Syndrome; Hereditary neoplastic syndrome; Neoplastic Syndromes, Hereditary; Tumor predisposition. Identifiers: Orphanet 140162, MedGen C0027672, MeSH D009386, MONDO:0015356.

Submissions (2):

Ambry Genetics
Classification: Uncertain significance for Hereditary cancer-predisposing syndrome. Last evaluated: 2026-07-04. Review status: criteria provided, single submitter. Criteria: Ambry Variant Classification Scheme 2023. Collection method: clinical testing. Allele origin: germline.
Comment: The p.M57L variant (also known as c.169A>C), located in coding exon 3 of the MUTYH gene, results from an A to C substitution at nucleotide position 169. The methionine at codon 57 is replaced by leucine, an amino acid with highly similar properties. This amino acid position is conserved. In addition, this alteration is predicted to be tolerated by in silico analysis. Based on the available evidence, the clinical significance of this variant remains unclear.

Labcorp Genetics (formerly Invitae), Labcorp
Classification: Uncertain significance for Familial adenomatous polyposis 2. Last evaluated: 2023-05-20. Review status: criteria provided, single submitter. Criteria: Invitae Variant Classification Sherloc (09022015). Collection method: clinical testing. Allele origin: germline.
Comment: This variant has not been reported in the literature in individuals affected with MUTYH-related conditions. An algorithm developed to predict the effect of missense changes on protein structure and function (PolyPhen-2) suggests that this variant is likely to be tolerated. Algorithms developed to predict the effect of sequence changes on RNA splicing suggest that this variant may create or strengthen a splice site. In summary, the available evidence is currently insufficient to determine the role of this variant in disease. Therefore, it has been classified as a Variant of Uncertain Significance. This variant is not present in population databases (gnomAD no frequency). This sequence change replaces methionine, which is neutral and non-polar, with leucine, which is neutral and non-polar, at codon 57 of the MUTYH protein (p.Met57Leu).